The following is an entry in ClinVar:

NM_001166108.2(PALLD):c.2798C>A (p.Ala933Asp)

Genes: CBR4 (carbonyl reductase 4; minus strand), PALLD (palladin, cytoskeletal associated protein; plus strand). Cytogenetic location: 4q32.3.
Variant type: single nucleotide variant.
Coding change: c.2798C>A on transcript NM_001166108.2 (MANE Select); coding-DNA position 2798, C replaced by A.
Protein change: p.Ala933Asp; replaces alanine 933 with aspartic acid.
Molecular consequence: missense variant.
Genome position (GRCh38, 1-based): chr4:168,915,975, C>A. VCF-style: chr4-168915975-C-A. GRCh37 (hg19) VCF-style: chr4-169837126-C-A.
Other names: c.1601C>A, p.Ala534Asp (NM_001166109.2); c.1286C>A, p.Ala429Asp (NM_001166110.2); c.626C>A, p.Ala209Asp (NM_001367567.1, NM_001367569.1); c.677C>A, p.Ala226Asp (NM_001367568.1, NM_001367570.1); c.2747C>A, p.Ala916Asp (NM_016081.4); short protein forms A429D, A534D, A933D, A916D, A209D, A226D.
Identifiers: ClinVar variation 1795494 (VCV001795494.2), dbSNP rs2534079517, ClinGen allele CA358706804.
Genomic context (GRCh38, chr4:168,915,975, plus strand): 5'-ACAGTGGAGACGAAAATGAACCAATTCAGGAGCGATTCTTCAGACCTCACTTCTTGCAGG[C>A]TCCTGGAGATCTGACTGTTCAAGAAGGAAAACTCTGCAGAATGGACTGCAAAGTAAGATT-3'
Protein context (NP_001159580.1, residues 923-943): ERFFRPHFLQ[Ala933Asp]PGDLTVQEGK

ClinVar aggregate classification (germline): Uncertain significance (1 of 4 stars; one submission).

Submission:

Ambry Genetics
Classification: Uncertain significance. Last evaluated: 2021-11-22. Review status: criteria provided, single submitter. Criteria: Ambry Variant Classification Scheme 2023. Collection method: clinical testing. Allele origin: germline.
Comment: The p.A916D variant (also known as c.2747C>A), located in coding exon 15 of the PALLD gene, results from a C to A substitution at nucleotide position 2747. The alanine at codon 916 is replaced by aspartic acid, an amino acid with dissimilar properties. This amino acid position is conserved. In addition, this alteration is predicted to be deleterious by in silico analysis. Since supporting evidence is limited at this time, the clinical significance of this alteration remains unclear.